The following is an entry in ClinVar:

ClinVar aggregate classification (germline): Pathogenic (1 of 4 stars; one submission).

Submission:

GeneDx
Classification: Pathogenic. Last evaluated: 2015-07-02. Review status: criteria provided, single submitter. Criteria: GeneDx Variant Classification (06012015). Collection method: clinical testing. Allele origin: germline. Affected: yes.
Comment: The c.2401delT deletion in the KCNQ2 gene causes a frameshift starting with codon Serine 801, changesthis amino acid to a Proline residue and creates a premature Stop codon at position 129 of the new readingframe, denoted p.Ser801ProfsX129. This results in the replacement of the last 72 amino acids of the KCNQ2protein with 128 incorrect amino acids. Although this variant has not been previously reported to ourknowledge, we consider it to be pathogenic.

NM_172107.4(KCNQ2):c.2401del (p.Ser801fs)

Gene: KCNQ2 (potassium voltage-gated channel subfamily Q member 2; minus strand). Cytogenetic location: 20q13.33.
Variant type: Deletion.
Coding change: c.2401del on transcript NM_172107.4 (MANE Select); coding-DNA position 2401, one base deleted (T; older notation c.2401delT).
Protein change: p.Ser801fs; shifts the reading frame from serine 801.
Molecular consequence: frameshift variant.
Genome position (GRCh38, 1-based): chr20:63,406,862, A deleted on the plus strand (T on the coding strand, the reverse complement: KCNQ2 is on the minus strand); the first of 2 consecutive A bases (chr20:63,406,862-63,406,863); deleting either gives the same sequence. VCF-style (leftmost placement, unchanged base first): chr20-63406861-GA-G. GRCh37 (hg19) VCF-style: chr20-62038214-GA-G.
Other names: c.2317del, p.Ser773fs (NM_004518.6); c.2347del, p.Ser783fs (NM_172106.3); c.2308del, p.Ser770fs (NM_172108.5); short protein forms S773fs, S783fs, S770fs, S801fs.
Identifiers: ClinVar variation 419407 (VCV000419407.2), dbSNP rs1064793852, ClinGen allele CA16620960.